The following is an entry in ClinVar:

ClinVar aggregate classification (germline): Uncertain significance (1 of 4 stars; one submission).

Conditions:
Ataxia-telangiectasia syndrome (AT). Also called: Ataxia-telangiectasia, complementation group D; AT, COMPLEMENTATION GROUP C; ATAXIA-TELANGIECTASIA, COMPLEMENTATION GROUP A; ATAXIA-TELANGIECTASIA, FRESNO VARIANT; Ataxia telangiectasia (A-T); Ataxia-telangiectasia. Identifiers: Orphanet 100, MedGen C0004135, MONDO:0008840, OMIM 208900.

Submission:

Labcorp Genetics (formerly Invitae), Labcorp
Classification: Uncertain significance for Ataxia-telangiectasia syndrome. Last evaluated: 2023-08-11. Review status: criteria provided, single submitter. Criteria: Invitae Variant Classification Sherloc (09022015). Collection method: clinical testing. Allele origin: germline.
Comment: In summary, the available evidence is currently insufficient to determine the role of this variant in disease. Therefore, it has been classified as a Variant of Uncertain Significance. An algorithm developed to predict the effect of missense changes on protein structure and function (PolyPhen-2) suggests that this variant is likely to be tolerated. ClinVar contains an entry for this variant (Variation ID: 2087496). This variant has not been reported in the literature in individuals affected with ATM-related conditions. This variant is not present in population databases (gnomAD no frequency). This sequence change replaces glutamic acid, which is acidic and polar, with aspartic acid, which is acidic and polar, at codon 304 of the ATM protein (p.Glu304Asp).

NM_000051.4(ATM):c.912A>C (p.Glu304Asp)

Gene: ATM (ATM serine/threonine kinase; plus strand). Cytogenetic location: 11q22.3.
Variant type: single nucleotide variant.
Coding change: c.912A>C on transcript NM_000051.4 (MANE Select); coding-DNA position 912, A replaced by C.
Protein change: p.Glu304Asp; replaces glutamic acid 304 with aspartic acid.
Molecular consequence: missense variant.
Genome position (GRCh38, 1-based): chr11:108,246,974, A>C. VCF-style: chr11-108246974-A-C. GRCh37 (hg19) VCF-style: chr11-108117701-A-C.
Other names: c.912A>C, p.Glu304Asp (NM_001351834.2); short protein forms E304D.
Identifiers: ClinVar variation 2087496 (VCV002087496.4), dbSNP rs1286754263, ClinGen allele CA382530487.
Genomic context (GRCh38, chr11:108,246,974, plus strand): 5'-GTAAACAGAGTACATACATAAAAATTACATTTTAATTTTTTGGATTACAGGTGCTTATGA[A>C]TCAACAAAATGGAGAAGTATTTTATACAACTTATATGATCTGCTAGTGAATGAGATAAGT-3'
Protein context (NP_000042.3, residues 294-314): GAKTQEKGAY[Glu304Asp]STKWRSILYN